The following is an entry in ClinVar:

NM_000059.4(BRCA2):c.9512T>C (p.Ile3171Thr)

Gene: BRCA2 (BRCA2 DNA repair associated; plus strand). Cytogenetic location: 13q13.1.
Variant type: single nucleotide variant.
Coding change: c.9512T>C on transcript NM_000059.4 (MANE Select); coding-DNA position 9512, T replaced by C.
Protein change: p.Ile3171Thr; replaces isoleucine 3171 with threonine.
Molecular consequence: missense variant.
Genome position (GRCh38, 1-based): chr13:32,396,908, T>C. VCF-style: chr13-32396908-T-C. GRCh37 (hg19) VCF-style: chr13-32971045-T-C.
Other names: short protein forms I3171T.
Identifiers: ClinVar variation 630933 (VCV000630933.5), dbSNP rs1566260078, ClinGen allele CA387762878.
Genomic context (GRCh38, chr13:32,396,908, plus strand): 5'-AATATGTGGGTTTGCAATTTATAAAGCAGCTTTTCCACTTATTTTCTTAGAATATTGACA[T>C]ACTTTGCAATGAAGCAGAAAACAAGCTTATGCATATACTGCATGCAAATGATCCCAAGTG-3'
Protein context (NP_000050.3, residues 3161-3181): KMKNTVENID[Ile3171Thr]LCNEAENKLM

ClinVar aggregate classification (germline): Uncertain significance (1 of 4 stars; one submission).

Conditions:
Hereditary cancer-predisposing syndrome. Also called: Tumor predisposition; Neoplastic Syndromes, Hereditary; Hereditary neoplastic syndrome; Hereditary Cancer Syndrome. Identifiers: Orphanet 140162, MedGen C0027672, MeSH D009386, MONDO:0015356.

Allele frequency attached by ClinVar (database versions not stated): gnomAD exomes below 0.00001.
gnomAD v4.1: 1 of 1,614,142 alleles (0.000062%); highest among the groups gnomAD compares: Non-Finnish European, 0.000085%; no homozygotes.

Submission:

Color Diagnostics, LLC DBA Color Health
Classification: Uncertain significance for Hereditary cancer-predisposing syndrome. Last evaluated: 2023-12-05. Review status: criteria provided, single submitter. Criteria: ACMG Guidelines, 2015. Collection method: clinical testing. Allele origin: germline.
Comment: This missense variant replaces isoleucine with threonine at codon 3171 of the BRCA2 protein. Computational prediction suggests that this variant may not impact protein structure and function (internally defined REVEL score threshold <= 0.5, PMID: 27666373). To our knowledge, functional studies have not been reported for this variant. This variant has not been reported in individuals affected with BRCA2-related disorders in the literature. This variant has not been identified in the general population by the Genome Aggregation Database (gnomAD). The available evidence is insufficient to determine the role of this variant in disease conclusively. Therefore, this variant is classified as a Variant of Uncertain Significance.